The following is an entry in ClinVar:

NM_005670.4(EPM2A):c.644A>T (p.Asp215Val)

Gene: EPM2A (EPM2A glucan phosphatase, laforin; minus strand). Cytogenetic location: 6q24.3.
Variant type: single nucleotide variant.
Coding change: c.644A>T on transcript NM_005670.4 (MANE Select); coding-DNA position 644, A replaced by T.
Protein change: p.Asp215Val; replaces aspartic acid 215 with valine.
Molecular consequence: missense variant. On other transcripts: intron variant (1).
Genome position (GRCh38, 1-based): chr6:145,635,319, T>A on the plus strand (A>T on the coding strand, the complement: EPM2A is on the minus strand). VCF-style: chr6-145635319-T-A. GRCh37 (hg19) VCF-style: chr6-145956455-T-A.
Other names: p.D215V:GAC>GTC; c.644A>T, p.Asp215Val (NM_001018041.2, NM_001368130.1); c.230A>T, p.Asp77Val (NM_001360064.2, NM_001360071.2, NM_001368131.1); c.182A>T, p.Asp61Val (NM_001368129.2, NM_001368132.1); c.477-7626A>T (NM_001360057.2); short protein forms D215V, D61V, D77V.
Identifiers: ClinVar variation 205429 (VCV000205429.49), dbSNP rs144565191, ClinGen allele CA314490.

ClinVar aggregate classification (germline): Uncertain significance. Review status: criteria provided, multiple submitters, no conflicts (2 of 4 stars). 7 submissions from 7 submitters: Uncertain significance (7). Last evaluated 2026-01-14.

Conditions:
Myoclonic epilepsy of Lafora 1 (MELF1). Also called: EPILEPSY, PROGRESSIVE MYOCLONIC, 2A; EPM2A-Related Lafora Disease; LAFORA DISEASE 1; Epilepsy, progressive myoclonic 2A (Lafora). Identifiers: MedGen CN377204, MONDO:0958199, OMIM 254780.
Progressive myoclonic epilepsy. Also called: Myoclonic Epilepsies, Progressive; Familial progressive myoclonic epilepsy; Myoclonus epilepsy; Progressive myoclonus epilepsy. Identifiers: Orphanet 308, Orphanet 98261, MedGen C0751778, MONDO:0020074.

Allele frequency attached by ClinVar (database versions not stated): TOPMed 0.00009; gnomAD 0.00011; 1000 Genomes Project 30x 0.00016; gnomAD exomes 0.00017; 1000 Genomes Project 0.00020; ExAC 0.00021; ESP Exome Variant Server 0.00046.
gnomAD v4.1: 339 of 1,614,154 alleles (0.021%); highest among the groups gnomAD compares: Non-Finnish European, 0.027%; no homozygotes.

Submissions (7):

Labcorp Genetics (formerly Invitae), Labcorp
Classification: Uncertain significance for Progressive myoclonic epilepsy. Last evaluated: 2026-01-14. Review status: criteria provided, single submitter. Criteria: Invitae Variant Classification Sherloc (09022015). Collection method: clinical testing. Allele origin: germline.
Comment: This sequence change replaces aspartic acid, which is acidic and polar, with valine, which is neutral and non-polar, at codon 215 of the EPM2A protein (p.Asp215Val). This variant is present in population databases (rs144565191, gnomAD 0.04%). This variant has not been reported in the literature in individuals affected with EPM2A-related conditions. ClinVar contains an entry for this variant (Variation ID: 205429). Invitae Evidence Modeling of protein sequence and biophysical properties (such as structural, functional, and spatial information, amino acid conservation, physicochemical variation, residue mobility, and thermodynamic stability) has been performed for this missense variant. However, the output from this modeling did not meet the statistical confidence thresholds required to predict the impact of this variant on EPM2A protein function. In summary, the available evidence is currently insufficient to determine the role of this variant in disease. Therefore, it has been classified as a Variant of Uncertain Significance.

CeGaT Center for Human Genetics Tuebingen
Classification: Uncertain significance. Last evaluated: 2026-01-01. Review status: criteria provided, single submitter. Criteria: CeGaT Center For Human Genetics Tuebingen Variant Classification Criteria Version 2. Collection method: clinical testing. Allele origin: germline. Affected: yes. Observed: 2 variant alleles.
Comment: EPM2A: PM2, BP4

GeneDx
Classification: Uncertain significance. Last evaluated: 2024-12-28. Review status: criteria provided, single submitter. Criteria: GeneDx Variant Classification Process June 2021. Collection method: clinical testing. Allele origin: germline. Affected: yes.
Comment: In silico analysis indicates that this missense variant does not alter protein structure/function; Has not been previously published as pathogenic or benign to our knowledge

Blueprint Genetics
Classification: Uncertain significance. Last evaluated: 2024-06-13. Review status: criteria provided, single submitter. Criteria: ACMG Guidelines, 2015. Collection method: clinical testing. Allele origin: germline.

Department of Pathology and Laboratory Medicine, Sinai Health System
Classification: Uncertain significance for Myoclonic epilepsy of Lafora 1. Last evaluated: 2021-11-12. Review status: criteria provided, single submitter. Criteria: ACMG Guidelines, 2015. Collection method: research. Allele origin: germline.

Athena Diagnostics
Classification: Uncertain significance. Last evaluated: 2018-09-30. Review status: criteria provided, single submitter. Criteria: Athena Diagnostics Criteria. Collection method: clinical testing. Allele origin: germline.

Eurofins Ntd Llc (ga)
Classification: Uncertain significance. Last evaluated: 2016-07-19. Review status: criteria provided, single submitter. Criteria: EGL Classification Definitions 2015. Collection method: clinical testing. Allele origin: germline. Observed: 1 variant allele, 1 heterozygote.